The following is an entry in ClinVar:

ClinVar aggregate classification (germline): Uncertain significance (1 of 4 stars; one submission).

Conditions:
Immunodeficiency, common variable, 10. Also called: DEFICIT IN ANTERIOR PITUITARY FUNCTION AND VARIABLE IMMUNODEFICIENCY; IMMUNODEFICIENCY, COMMON VARIABLE, WITH CENTRAL ADRENAL INSUFFICIENCY. Identifiers: MedGen C3809991, MONDO:0014260, OMIM 615577.

Submission:

Labcorp Genetics (formerly Invitae), Labcorp
Classification: Uncertain significance for Immunodeficiency, common variable, 10. Last evaluated: 2022-01-27. Review status: criteria provided, single submitter. Criteria: Invitae Variant Classification Sherloc (09022015). Collection method: clinical testing. Allele origin: germline.
Comment: Algorithms developed to predict the effect of missense changes on protein structure and function (SIFT, PolyPhen-2, Align-GVGD) all suggest that this variant is likely to be tolerated. In summary, the available evidence is currently insufficient to determine the role of this variant in disease. Therefore, it has been classified as a Variant of Uncertain Significance. ClinVar contains an entry for this variant (Variation ID: 1008266). This variant has not been reported in the literature in individuals affected with NFKB2-related conditions. This variant is not present in population databases (gnomAD no frequency). This sequence change replaces methionine, which is neutral and non-polar, with leucine, which is neutral and non-polar, at codon 395 of the NFKB2 protein (p.Met395Leu).

NM_001322934.2(NFKB2):c.1183A>C (p.Met395Leu)

Genes: NFKB2 (nuclear factor kappa B subunit 2; plus strand), LOC130004599 (ATAC-STARR-seq lymphoblastoid silent region 2756; plus strand). Cytogenetic location: 10q24.32.
Variant type: single nucleotide variant.
Coding change: c.1183A>C on transcript NM_001322934.2 (MANE Select); coding-DNA position 1183, A replaced by C.
Protein change: p.Met395Leu; replaces methionine 395 with leucine.
Molecular consequence: missense variant.
Genome position (GRCh38, 1-based): chr10:102,399,353, A>C. VCF-style: chr10-102399353-A-C. GRCh37 (hg19) VCF-style: chr10-104159110-A-C.
Other names: c.1183A>C, p.Met395Leu (NM_001077494.3, NM_001261403.3, NM_001288724.1 and 1 more transcripts); c.1057A>C, p.Met353Leu (NM_001322935.1); short protein forms M353L, M395L.
Identifiers: ClinVar variation 1008266 (VCV001008266.9), dbSNP rs1461691110, ClinGen allele CA377898788.